The following is an entry in ClinVar:

NM_003392.7(WNT5A):c.20T>C (p.Ile7Thr)

Gene: WNT5A (Wnt family member 5A; minus strand). Cytogenetic location: 3p14.3.
Variant type: single nucleotide variant.
Coding change: c.20T>C on transcript NM_003392.7 (MANE Select); coding-DNA position 20, T replaced by C.
Protein change: p.Ile7Thr; replaces isoleucine 7 with threonine.
Molecular consequence: missense variant. On other transcripts: 5 prime UTR variant (3).
Genome position (GRCh38, 1-based): chr3:55,480,905, A>G on the plus strand (T>C on the coding strand, the complement: WNT5A is on the minus strand). VCF-style: chr3-55480905-A-G. GRCh37 (hg19) VCF-style: chr3-55514933-A-G.
Other names: c.20T>C (NM_003392.3, NM_003392.4); c.-26T>C (NM_001256105.1, NM_001377271.1, NM_001377272.1); short protein forms I7T.
Identifiers: ClinVar variation 1563096 (VCV001563096.10), dbSNP rs554762368, ClinGen allele CA2459134.

ClinVar aggregate classification (germline): Conflicting classifications of pathogenicity. Review status: criteria provided, conflicting classifications (1 of 4 stars). 4 submissions from 4 submitters: Uncertain significance (3); Benign (1). Last evaluated 2026-01-05.

Conditions:
Inborn genetic diseases. Identifiers: MedGen C0950123, MeSH D030342.
Autosomal dominant Robinow syndrome 1. Also called: ROBINOW DWARFISM; WNT5A-Related Robinow Syndrome, Autosomal Dominant; Covesdem syndrome (formerly); Costovertebral segmentation defect with mesomelia (formerly); ACRAL DYSOSTOSIS WITH FACIAL AND GENITAL ABNORMALITIES; FETAL FACE SYNDROME. Identifiers: Orphanet 3107, Orphanet 97360, MedGen C4551475, MONDO:0024455, OMIM 180700.

Allele frequency attached by ClinVar (database versions not stated): gnomAD exomes 0.00001; ExAC 0.00002; gnomAD 0.00005 and 0.00006; TOPMed 0.00009; 1000 Genomes Project 30x 0.00016; 1000 Genomes Project 0.00020.
gnomAD v4.1: 28 of 1,562,704 alleles (0.0018%); highest among the groups gnomAD compares: Admixed American, 0.029%; no homozygotes.

Submissions (4):

Labcorp Genetics (formerly Invitae), Labcorp
Classification: Benign. Last evaluated: 2026-01-05. Review status: criteria provided, single submitter. Criteria: Invitae Variant Classification Sherloc (09022015). Collection method: clinical testing. Allele origin: germline.

GeneDx
Classification: Uncertain significance. Last evaluated: 2024-06-11. Review status: criteria provided, single submitter. Criteria: GeneDx Variant Classification Process June 2021. Collection method: clinical testing. Allele origin: germline. Affected: yes.
Comment: In silico analysis indicates that this missense variant does not alter protein structure/function; Has not been previously published as pathogenic or benign to our knowledge

Ambry Genetics
Classification: Uncertain significance for Inborn genetic diseases. Last evaluated: 2021-07-02. Review status: criteria provided, single submitter. Criteria: Ambry Variant Classification Scheme 2023. Collection method: clinical testing. Allele origin: germline.

Neuberg Centre For Genomic Medicine, NCGM
Classification: Uncertain significance for Autosomal dominant Robinow syndrome 1. Review status: criteria provided, single submitter. Criteria: ACMG Guidelines, 2015. Collection method: clinical testing. Allele origin: germline. Inheritance: Autosomal dominant inheritance. Affected: yes.
Comment: The missense variant in c.20T>C (p.Ile7Thr) in WNT5A gene has not been reported previously as a pathogenic variant nor as a benign variant, to our knowledge. The p.Ile7Thr variant is novel (not in any individuals) in 1000 Genomes and allele frequency of 0.001418% is reported in gnomAD. The amino acid Ile at position 7 is changed to a Thr changing protein sequence and it might alter its composition and physico-chemical properties. The variant is predicted to be damaging by SIFT and the residue is conserved across species. The amino acid change p.Ile7Thr in WNT5A is predicted as conserved by GERP++ and PhyloP across 100 vertebrates. For these reasons, this variant has been classified as Uncertain Significance .